The following is an entry in ClinVar:

ClinVar aggregate classification (germline): Uncertain significance. Review status: criteria provided, multiple submitters, no conflicts (2 of 4 stars). 2 submissions from 2 submitters: Uncertain significance (2). Last evaluated 2025-04-21.

Conditions:
Deafness-lymphedema-leukemia syndrome. Also called: Emberger syndrome; Lymphedema, primary, with myelodysplasia. Identifiers: Orphanet 3226, MedGen C3279664, MONDO:0013540, OMIM 614038.
Monocytopenia with susceptibility to infections. Also called: MONOCYTOPENIA AND MYCOBACTERIAL INFECTION SYNDROME; MONOCYTOPENIA WITH SUSCEPTIBILITY TO MYCOBACTERIAL, FUNGAL, AND PAPILLOMAVIRUS INFECTIONS AND MYELODYSPLASIA; COMBINED IMMUNODEFICIENCY WITH SUSCEPTIBILITY TO MYCOBACTERIAL, VIRAL, AND FUNGAL INFECTIONS; Dendritic cell, monocyte, B lymphocyte, and natural killer lymphocyte deficiency; IMMUNODEFICIENCY 21; GATA2 DEFICIENCY. Identifiers: Orphanet 228423, MedGen C3280030, MONDO:0013607, OMIM 614172.
Inborn genetic diseases. Identifiers: MedGen C0950123, MeSH D030342.

Allele frequency attached by ClinVar (database versions not stated): gnomAD exomes 0.00001.
gnomAD v4.1: 6 of 1,614,238 alleles (0.00037%); highest among the groups gnomAD compares: Non-Finnish European, 0.00042%; no homozygotes.

Submissions (2):

Ambry Genetics
Classification: Uncertain significance for Inborn genetic diseases. Last evaluated: 2025-04-21. Review status: criteria provided, single submitter. Criteria: Ambry Variant Classification Scheme 2023. Collection method: clinical testing. Allele origin: germline.
Comment: The p.E416K variant (also known as c.1246G>A), located in coding exon 5 of the GATA2 gene, results from a G to A substitution at nucleotide position 1246. The glutamic acid at codon 416 is replaced by lysine, an amino acid with similar properties. This amino acid position is conserved. In addition, the in silico prediction for this alteration is inconclusive. Based on the available evidence, the clinical significance of this variant remains unclear.

Labcorp Genetics (formerly Invitae), Labcorp
Classification: Uncertain significance for Monocytopenia with susceptibility to infections; Deafness-lymphedema-leukemia syndrome. Last evaluated: 2022-05-11. Review status: criteria provided, single submitter. Criteria: Invitae Variant Classification Sherloc (09022015). Collection method: clinical testing. Allele origin: germline.
Comment: In summary, the available evidence is currently insufficient to determine the role of this variant in disease. Therefore, it has been classified as a Variant of Uncertain Significance. Algorithms developed to predict the effect of missense changes on protein structure and function are either unavailable or do not agree on the potential impact of this missense change (SIFT: "Tolerated"; PolyPhen-2: "Probably Damaging"; Align-GVGD: "Class C0"). ClinVar contains an entry for this variant (Variation ID: 1053990). This variant has not been reported in the literature in individuals affected with GATA2-related conditions. This variant is not present in population databases (gnomAD no frequency). This sequence change replaces glutamic acid, which is acidic and polar, with lysine, which is basic and polar, at codon 416 of the GATA2 protein (p.Glu416Lys).

NM_032638.5(GATA2):c.1246G>A (p.Glu416Lys)

Gene: GATA2 (GATA binding protein 2; minus strand). Cytogenetic location: 3q21.3.
Variant type: single nucleotide variant.
Coding change: c.1246G>A on transcript NM_032638.5 (MANE Select); coding-DNA position 1246, G replaced by A.
Protein change: p.Glu416Lys; replaces glutamic acid 416 with lysine.
Molecular consequence: missense variant.
Genome position (GRCh38, 1-based): chr3:128,481,216, C>T on the plus strand (G>A on the coding strand, the complement: GATA2 is on the minus strand). VCF-style: chr3-128481216-C-T. GRCh37 (hg19) VCF-style: chr3-128200059-C-T.
Other names: c.1246G>A, p.Glu416Lys (NM_001145661.2); c.1204G>A, p.Glu402Lys (NM_001145662.1); c.1246G>A (NM_032638.4); short protein forms E402K, E416K.
Identifiers: ClinVar variation 1053990 (VCV001053990.10), dbSNP rs2107667967, ClinGen allele CA354412997.
Genomic context (GRCh38, chr3:128,481,216, plus strand): 5'-GTCCAGCCAGGGCAGCTGCACTGAAGGGGGATGACTTCTCCTGCATGCACTTTGACAGCT[C>T]CTCGAAGCACTCCGCCCCTTTCTTGCTCTTCTTGGACTTGTTGGACATCTTCCGGTTCCG-3'
Protein context (NP_116027.2, residues 406-426): KSKKGAECFE[Glu416Lys]LSKCMQEKSS